The following is an entry in ClinVar:

ClinVar aggregate classification (germline): Pathogenic (1 of 4 stars; one submission).

Allele frequency attached by ClinVar (database versions not stated): gnomAD exomes 0.00001; TOPMed 0.00001.
gnomAD v4.1: 14 of 1,613,292 alleles (0.00087%); highest among the groups gnomAD compares: Non-Finnish European, 0.0011%; no homozygotes.

Submission:

Labcorp Genetics (formerly Invitae), Labcorp
Classification: Pathogenic. Last evaluated: 2024-03-23. Review status: criteria provided, single submitter. Criteria: Invitae Variant Classification Sherloc (09022015). Collection method: clinical testing. Allele origin: germline.
Comment: This sequence change creates a premature translational stop signal (p.Gln776*) in the ADAMTSL4 gene. It is expected to result in an absent or disrupted protein product. Loss-of-function variants in ADAMTSL4 are known to be pathogenic (PMID: 20564469, 28642162). This variant is present in population databases (no rsID available, gnomAD 0.003%). This variant has not been reported in the literature in individuals affected with ADAMTSL4-related conditions. ClinVar contains an entry for this variant (Variation ID: 2427843). For these reasons, this variant has been classified as Pathogenic.

Literature cited by the submitters: PubMed 20564469; PubMed 28642162.

NM_019032.6(ADAMTSL4):c.2326C>T (p.Gln776Ter)

Gene: ADAMTSL4 (ADAMTS like 4; plus strand). Cytogenetic location: 1q21.2.
Variant type: single nucleotide variant.
Coding change: c.2326C>T on transcript NM_019032.6 (MANE Select); coding-DNA position 2326, C replaced by T.
Protein change: p.Gln776Ter; replaces glutamine 776 with a stop codon.
Molecular consequence: nonsense.
Genome position (GRCh38, 1-based): chr1:150,558,093, C>T. VCF-style: chr1-150558093-C-T. GRCh37 (hg19) VCF-style: chr1-150530569-C-T.
Other names: c.2209C>T, p.Gln737Ter (NM_001288607.2); c.2395C>T, p.Gln799Ter (NM_001288608.2); c.2326C>T, p.Gln776Ter (NM_001378596.1, NM_025008.5); short protein forms Q737*, Q776*, Q799*.
Identifiers: ClinVar variation 2427843 (VCV002427843.6), dbSNP rs1261260994, ClinGen allele CA342314886.
Genomic context (GRCh38, chr1:150,558,093, plus strand): 5'-GGGGGTGGCTCCTCGGTGCCCCCGGAGCGCTGTGGACATCTCCCCCGGCCCAACATCACC[C>T]AGTCTTGCCAGCTGCGCCTCTGTGGCCATTGGGAAGTTGGCTCTCCTTGGAGCCAGGTGA-3'